The following is an entry in ClinVar:

NM_001105206.3(LAMA4):c.1663A>G (p.Ile555Val)

Gene: LAMA4 (laminin subunit alpha 4; minus strand). Cytogenetic location: 6q21.
Variant type: single nucleotide variant.
Coding change: c.1663A>G on transcript NM_001105206.3 (MANE Select); coding-DNA position 1663, A replaced by G.
Protein change: p.Ile555Val; replaces isoleucine 555 with valine.
Molecular consequence: missense variant.
Genome position (GRCh38, 1-based): chr6:112,165,165, T>C on the plus strand (A>G on the coding strand, the complement: LAMA4 is on the minus strand). VCF-style: chr6-112165165-T-C. GRCh37 (hg19) VCF-style: chr6-112486367-T-C.
Other names: c.1642A>G, p.Ile548Val (NM_001105207.3, NM_002290.5); short protein forms I548V, I555V.
Identifiers: ClinVar variation 2447566 (VCV002447566.2), dbSNP rs2547091983, ClinGen allele CA365367385.

ClinVar aggregate classification (germline): Uncertain significance (1 of 4 stars; one submission).

Conditions:
Cardiovascular phenotype. Identifiers: MedGen CN230736.

Submission:

Ambry Genetics
Classification: Uncertain significance for Cardiovascular phenotype. Last evaluated: 2023-03-03. Review status: criteria provided, single submitter. Criteria: Ambry Variant Classification Scheme 2023. Collection method: clinical testing. Allele origin: germline.
Comment: The p.I548V variant (also known as c.1642A>G), located in coding exon 12 of the LAMA4 gene, results from an A to G substitution at nucleotide position 1642. The isoleucine at codon 548 is replaced by valine, an amino acid with highly similar properties. This amino acid position is well conserved in available vertebrate species. In addition, this alteration is predicted to be tolerated by in silico analysis. The evidence for this gene-disease relationship is limited; therefore, the clinical significance of this alteration is unclear.